The following is an entry in ClinVar:

NM_001130965.3(SUN1):c.1496G>A (p.Cys499Tyr)

Gene: SUN1 (Sad1 and UNC84 domain containing 1; plus strand). Cytogenetic location: 7p22.3.
Variant type: single nucleotide variant.
Coding change: c.1496G>A on transcript NM_001130965.3 (MANE Select); coding-DNA position 1496, G replaced by A.
Protein change: p.Cys499Tyr; replaces cysteine 499 with tyrosine.
Molecular consequence: missense variant. On other transcripts: non-coding transcript variant (3).
Genome position (GRCh38, 1-based): chr7:857,929, G>A. VCF-style: chr7-857929-G-A. GRCh37 (hg19) VCF-style: chr7-897566-G-A.
Other names: c.1418G>A, p.Cys473Tyr (NM_001367695.1); c.1574G>A, p.Cys525Tyr (NM_001367696.1); c.1691G>A, p.Cys564Tyr (NM_001367697.1, NM_001367693.1); c.1886G>A, p.Cys629Tyr (NM_001367678.1, NM_001367699.1); c.1454G>A, p.Cys485Tyr (NM_001367679.1); c.1430G>A, p.Cys477Tyr (NM_001367680.1); c.1544G>A, p.Cys515Tyr (NM_001367681.1, NM_001367645.1); c.1778G>A, p.Cys593Tyr (NM_001367682.1, NM_001367641.1); and 43 more; short protein forms C261Y, C382Y, C448Y, C476Y, C503Y, C513Y, C527Y, C535Y.
Identifiers: ClinVar variation 3710504 (VCV003710504.2).
Genomic context (GRCh38, chr7:857,929, plus strand): 5'-AGCTGGAGCTGGATCAGCTAAAGTCAGAGCTGTCCAGCTGGCGACACGTGAAGACCGGCT[G>A]TGAGACAGTGGATGCCGTACAAGAAAGAGTGAGCTTTCTGCATGTTTACTTTTTGTTTTA-3'
Protein context (NP_001124437.1, residues 489-509): LSSWRHVKTG[Cys499Tyr]ETVDAVQERV

ClinVar aggregate classification (germline): Uncertain significance (1 of 4 stars; one submission).

Conditions:
Emery-Dreifuss muscular dystrophy (EDMD). Also called: Scapuloperoneal syndrome, X-linked (formerly); Humeroperoneal neuromuscular disease, (formerly). Identifiers: Orphanet 261, MedGen C0410189, MONDO:0016830.

gnomAD v4.1: 1 of 1,595,828 alleles (0.000063%); highest among the groups gnomAD compares: Non-Finnish European, 0.000086%; no homozygotes.

Submission:

Labcorp Genetics (formerly Invitae), Labcorp
Classification: Uncertain significance for Emery-Dreifuss muscular dystrophy. Last evaluated: 2024-08-19. Review status: criteria provided, single submitter. Criteria: Invitae Variant Classification Sherloc (09022015). Collection method: clinical testing. Allele origin: germline.
Comment: This sequence change replaces cysteine, which is neutral and slightly polar, with tyrosine, which is neutral and polar, at codon 499 of the SUN1 protein (p.Cys499Tyr). This variant is not present in population databases (gnomAD no frequency). This variant has not been reported in the literature in individuals affected with SUN1-related conditions. An algorithm developed to predict the effect of missense changes on protein structure and function (PolyPhen-2) suggests that this variant is likely to be disruptive. In summary, the available evidence is currently insufficient to determine the role of this variant in disease. Therefore, it has been classified as a Variant of Uncertain Significance.